The following is an entry in ClinVar:

ClinVar aggregate classification (germline): Likely benign (1 of 4 stars; one submission).

Conditions:
CNNM4-related disorder. Also called: CNNM4-related condition.

gnomAD v4.1: 2 of 1,614,190 alleles (0.00012%); highest among the groups gnomAD compares: Non-Finnish European, 0.00017%; no homozygotes.

Submission:

PreventionGenetics, part of Exact Sciences
Classification: Likely benign for CNNM4-related condition. Last evaluated: 2025-07-03. Review status: criteria provided, single submitter. Criteria: ACMG Guidelines, 2015. Collection method: clinical testing. Allele origin: germline.
Comment: This variant is classified as likely benign based on ACMG/AMP sequence variant interpretation guidelines (Richards et al. 2015 PMID: 25741868, with internal and published modifications).

NM_020184.4(CNNM4):c.1794C>A (p.Ala598=)

Gene: CNNM4 (cyclin and CBS domain divalent metal cation transport mediator 4; plus strand). Cytogenetic location: 2q11.2.
Variant type: single nucleotide variant.
Coding change: c.1794C>A on transcript NM_020184.4 (MANE Select); coding-DNA position 1794, C replaced by A.
Protein change: p.Ala598=; no amino-acid change (alanine 598 retained).
Molecular consequence: synonymous variant.
Genome position (GRCh38, 1-based): chr2:96,799,169, C>A. VCF-style: chr2-96799169-C-A. GRCh37 (hg19) VCF-style: chr2-97464906-C-A.
Identifiers: ClinVar variation 4979180 (VCV004979180.1).
Genomic context (GRCh38, chr2:96,799,169, plus strand): 5'-ACTCAAGTACCCAGATGTCATTCAGGAACTCAAGTTTGACGAGCACAATAAGTACTACGC[C>A]CGCCATTACCTGTACACCCGAAATAAGCCGGCCGACTACTTCATCCTCATCCTGCAGGTG-3'
Protein context (NP_064569.3, residues 588-608): LKFDEHNKYY[Ala598=]RHYLYTRNKP